The following is an entry in ClinVar:

NM_000388.4(CASR):c.1267G>A (p.Ala423Thr)

Gene: CASR (calcium sensing receptor; plus strand). Cytogenetic location: 3q21.1.
Variant type: single nucleotide variant.
Coding change: c.1267G>A on transcript NM_000388.4 (MANE Select); coding-DNA position 1267, G replaced by A.
Protein change: p.Ala423Thr; replaces alanine 423 with threonine.
Molecular consequence: missense variant.
Genome position (GRCh38, 1-based): chr3:122,262,302, G>A. VCF-style: chr3-122262302-G-A. GRCh37 (hg19) VCF-style: chr3-121981149-G-A.
Other names: p.Ala423Thr; c.1267G>A, p.Ala423Thr (NM_001178065.2); short protein forms A423T.
Identifiers: ClinVar variation 856658 (VCV000856658.13), dbSNP rs2074637455, ClinGen allele CA354152956.

ClinVar aggregate classification (germline): Uncertain significance. Review status: criteria provided, multiple submitters, no conflicts (2 of 4 stars). 3 submissions from 3 submitters: Uncertain significance (3). Last evaluated 2024-04-10.

Conditions:
Autosomal dominant hypocalcemia 1 (HYPOC1). Also called: HYPOCALCEMIA, FAMILIAL. Identifiers: MedGen C3715128, MONDO:0011013, OMIM 601198.
Familial hypocalciuric hypercalcemia (FHH). Also called: Familial benign hypercalcemia. Identifiers: Orphanet 405, MedGen C1809471, MONDO:0018458.
Nephrolithiasis/nephrocalcinosis. Identifiers: MedGen CN580796.

Allele frequency attached by ClinVar (database versions not stated): gnomAD exomes below 0.00001.
gnomAD v4.1: 1 of 1,614,102 alleles (0.000062%); highest among the groups gnomAD compares: Non-Finnish European, 0.000085%; no homozygotes.

Submissions (3):

Mayo Clinic Laboratories, Mayo Clinic
Classification: Uncertain significance. Last evaluated: 2024-04-10. Review status: criteria provided, single submitter. Criteria: ACMG Guidelines, 2015. Collection method: clinical testing. Allele origin: germline. Observed: 1 variant allele.
Comment: PP3, PM2

Labcorp Genetics (formerly Invitae), Labcorp
Classification: Uncertain significance for Familial hypocalciuric hypercalcemia; Autosomal dominant hypocalcemia 1. Last evaluated: 2023-05-20. Review status: criteria provided, single submitter. Criteria: Invitae Variant Classification Sherloc (09022015). Collection method: clinical testing. Allele origin: germline.
Comment: This sequence change replaces alanine, which is neutral and non-polar, with threonine, which is neutral and polar, at codon 423 of the CASR protein (p.Ala423Thr). This variant is not present in population databases (gnomAD no frequency). This variant has not been reported in the literature in individuals affected with CASR-related conditions. ClinVar contains an entry for this variant (Variation ID: 856658). An algorithm developed to predict the effect of missense changes on protein structure and function (PolyPhen-2) suggests that this variant is likely to be disruptive. In summary, the available evidence is currently insufficient to determine the role of this variant in disease. Therefore, it has been classified as a Variant of Uncertain Significance.

Ambry Genetics
Classification: Uncertain significance for Nephrolithiasis/nephrocalcinosis. Last evaluated: 2022-05-21. Review status: criteria provided, single submitter. Criteria: Ambry Variant Classification Scheme 2023. Collection method: clinical testing. Allele origin: germline.
Comment: The p.A423T variant (also known as c.1267G>A), located in coding exon 3 of the CASR gene, results from a G to A substitution at nucleotide position 1267. The alanine at codon 423 is replaced by threonine, an amino acid with similar properties. This amino acid position is conserved. In addition, this alteration is predicted to be deleterious by in silico analysis. Since supporting evidence is limited at this time, the clinical significance of this alteration remains unclear.